The following is an entry in ClinVar:

ClinVar aggregate classification (germline): Uncertain significance (1 of 4 stars; one submission).

Submission:

Ambry Genetics
Classification: Uncertain significance. Last evaluated: 2021-09-04. Review status: criteria provided, single submitter. Criteria: Ambry Variant Classification Scheme 2023. Collection method: clinical testing. Allele origin: germline.
Comment: The p.R354G variant (also known as c.1060C>G), located in coding exon 3 of the EGLN2 gene, results from a C to G substitution at nucleotide position 1060. The arginine at codon 354 is replaced by glycine, an amino acid with dissimilar properties. This amino acid position is conserved. In addition, this alteration is predicted to be deleterious by in silico analysis. Since supporting evidence is limited at this time, the clinical significance of this alteration remains unclear.

NM_080732.4(EGLN2):c.1060C>G (p.Arg354Gly)

Genes: EGLN2 (egl-9 family hypoxia inducible factor 2; plus strand), RAB4B-EGLN2 (RAB4B-EGLN2 readthrough (NMD candidate); plus strand). Cytogenetic location: 19q13.2.
Variant type: single nucleotide variant.
Coding change: c.1060C>G on transcript NM_080732.4 (MANE Select); coding-DNA position 1060, C replaced by G.
Protein change: p.Arg354Gly; replaces arginine 354 with glycine.
Molecular consequence: missense variant. On other transcripts: non-coding transcript variant (1).
Genome position (GRCh38, 1-based): chr19:40,807,234, C>G. VCF-style: chr19-40807234-C-G. GRCh37 (hg19) VCF-style: chr19-41313139-C-G.
Other names: c.1060C>G, p.Arg354Gly (NM_053046.4); short protein forms R354G.
Identifiers: ClinVar variation 1780161 (VCV001780161.2), dbSNP rs2083310948, ClinGen allele CA405956593.